The following is an entry in ClinVar:

ClinVar aggregate classification (germline): Uncertain significance. Review status: criteria provided, multiple submitters, no conflicts (2 of 4 stars). 3 submissions from 3 submitters: Uncertain significance (3). Last evaluated 2024-12-25.

Conditions:
Gastrointestinal stromal tumor. Also called: Gastrointestinal stromal tumor, somatic; Gastrointestinal stroma tumor. Identifiers: Orphanet 44890, MedGen C0238198, MeSH D046152, MONDO:0011719, OMIM 606764, HP:0100723.
Hereditary cancer-predisposing syndrome. Also called: Hereditary Cancer Syndrome; Tumor predisposition; Neoplastic Syndromes, Hereditary; Hereditary neoplastic syndrome. Identifiers: Orphanet 140162, MedGen C0027672, MeSH D009386, MONDO:0015356.

Allele frequency attached by ClinVar (database versions not stated): gnomAD exomes below 0.00001; TOPMed below 0.00001.
gnomAD v4.1: 1 of 1,613,904 alleles (0.000062%); highest among the groups gnomAD compares: Non-Finnish European, 0.000085%; no homozygotes.

Submissions (3):

Ambry Genetics
Classification: Uncertain significance for Hereditary cancer-predisposing syndrome. Last evaluated: 2024-12-25. Review status: criteria provided, single submitter. Criteria: Ambry Variant Classification Scheme 2023. Collection method: clinical testing. Allele origin: germline.
Comment: The p.I497T variant (also known as c.1490T>C), located in coding exon 9 of the PDGFRA gene, results from a T to C substitution at nucleotide position 1490. The isoleucine at codon 497 is replaced by threonine, an amino acid with similar properties. This amino acid position is conserved. In addition, this alteration is predicted to be tolerated by in silico analysis. Since supporting evidence is limited at this time, the clinical significance of this alteration remains unclear.

Labcorp Genetics (formerly Invitae), Labcorp
Classification: Uncertain significance for Gastrointestinal stromal tumor. Last evaluated: 2024-09-18. Review status: criteria provided, single submitter. Criteria: Invitae Variant Classification Sherloc (09022015). Collection method: clinical testing. Allele origin: germline.
Comment: This sequence change replaces isoleucine, which is neutral and non-polar, with threonine, which is neutral and polar, at codon 497 of the PDGFRA protein (p.Ile497Thr). This variant is not present in population databases (gnomAD no frequency). This variant has not been reported in the literature in individuals affected with PDGFRA-related conditions. ClinVar contains an entry for this variant (Variation ID: 645026). Invitae Evidence Modeling of protein sequence and biophysical properties (such as structural, functional, and spatial information, amino acid conservation, physicochemical variation, residue mobility, and thermodynamic stability) indicates that this missense variant is not expected to disrupt PDGFRA protein function with a negative predictive value of 80%. In summary, the available evidence is currently insufficient to determine the role of this variant in disease. Therefore, it has been classified as a Variant of Uncertain Significance.

ARUP Laboratories, Molecular Genetics and Genomics, ARUP Laboratories
Classification: Uncertain significance. Last evaluated: 2024-08-02. Review status: criteria provided, single submitter. Criteria: ARUP Molecular Germline Variant Investigation Process 2024. Collection method: clinical testing. Allele origin: germline.
Comment: The PDGFRA c.1490T>C; p.Ile497Thr variant (rs1577724495), to our knowledge, is not reported in the medical literature but is reported in ClinVar (Variation ID: 645026). This variant is absent from the Genome Aggregation Database (v2.1.1), indicating it is not a common polymorphism. Computational analyses are uncertain whether this variant is neutral or deleterious (REVEL: 0.298). Due to limited information, the clinical significance of this variant is uncertain at this time.

NM_006206.6(PDGFRA):c.1490T>C (p.Ile497Thr)

Gene: PDGFRA (platelet derived growth factor receptor alpha; plus strand). Cytogenetic location: 4q12.
Variant type: single nucleotide variant.
Coding change: c.1490T>C on transcript NM_006206.6 (MANE Select); coding-DNA position 1490, T replaced by C.
Protein change: p.Ile497Thr; replaces isoleucine 497 with threonine.
Molecular consequence: missense variant.
Genome position (GRCh38, 1-based): chr4:54,273,662, T>C. VCF-style: chr4-54273662-T-C. GRCh37 (hg19) VCF-style: chr4-55139829-T-C.
Other names: c.1490T>C, p.Ile497Thr (NM_001347827.2, NM_001347829.2); c.1565T>C, p.Ile522Thr (NM_001347828.2); c.1529T>C, p.Ile510Thr (NM_001347830.2); short protein forms I522T, I497T, I510T.
Identifiers: ClinVar variation 645026 (VCV000645026.15), dbSNP rs1577724495, ClinGen allele CA356892675.
Genomic context (GRCh38, chr4:54,273,662, plus strand): 5'-ACTCCCGAGACAGGAGTACCGTGGAGGGCCGTGTGACTTTCGCCAAAGTGGAGGAGACCA[T>C]CGCCGTGCGATGCCTGGCTAAGAATCTCCTTGGAGCTGAGAACCGAGAGCTGAAGCTGGT-3'
Protein context (NP_006197.1, residues 487-507): RVTFAKVEET[Ile497Thr]AVRCLAKNLL